The following is an entry in ClinVar:

NM_001018111.3(PODXL):c.376A>C (p.Thr126Pro)

Gene: PODXL (podocalyxin like; minus strand). Cytogenetic location: 7q32.3.
Variant type: single nucleotide variant.
Coding change: c.376A>C on transcript NM_001018111.3 (MANE Select); coding-DNA position 376, A replaced by C.
Protein change: p.Thr126Pro; replaces threonine 126 with proline.
Molecular consequence: missense variant.
Genome position (GRCh38, 1-based): chr7:131,511,158, T>G on the plus strand (A>C on the coding strand, the complement: PODXL is on the minus strand). VCF-style: chr7-131511158-T-G. GRCh37 (hg19) VCF-style: chr7-131195917-T-G.
Other names: p.Thr126Pro; c.376A>C, p.Thr126Pro (NM_005397.4); short protein forms T126P.
Identifiers: ClinVar variation 444732 (VCV000444732.53), dbSNP rs55698400, ClinGen allele CA4488718.

ClinVar aggregate classification (germline): Benign/Likely benign. Review status: criteria provided, multiple submitters, no conflicts (2 of 4 stars). 3 submissions from 3 submitters: Benign (2); Likely benign (1). Last evaluated 2026-06-01.

Allele frequency attached by ClinVar (database versions not stated): 1000 Genomes Project 30x 0.00094; 1000 Genomes Project 0.00100; TOPMed 0.00278; gnomAD 0.00372 and 0.00397; ESP Exome Variant Server 0.00408; gnomAD exomes 0.00421 and 0.00501; ExAC 0.00504.
gnomAD v4.1: 7,812 of 1,614,054 alleles (0.48%); highest among the groups gnomAD compares: Non-Finnish European, 0.57%; 35 homozygotes.

Submissions (3):

CeGaT Center for Human Genetics Tuebingen
Classification: Likely benign. Last evaluated: 2026-06-01. Review status: criteria provided, single submitter. Criteria: CeGaT Center For Human Genetics Tuebingen Variant Classification Criteria Version 2. Collection method: clinical testing. Allele origin: germline. Affected: yes. Observed: 7 variant alleles.
Comment: PODXL: BP4, BS2

Labcorp Genetics (formerly Invitae), Labcorp
Classification: Benign. Last evaluated: 2026-01-14. Review status: criteria provided, single submitter. Criteria: Invitae Variant Classification Sherloc (09022015). Collection method: clinical testing. Allele origin: germline.

Mayo Clinic Laboratories, Mayo Clinic
Classification: Benign. Last evaluated: 2024-07-29. Review status: criteria provided, single submitter. Criteria: ACMG Guidelines, 2015. Collection method: clinical testing. Allele origin: germline. Observed: 11 variant alleles.
Comment: BS1, BS2, BP4